The following is an entry in ClinVar:

NM_001033855.3(DCLRE1C):c.1902_1903del (p.Ser635fs)

Gene: DCLRE1C (DNA cross-link repair 1C; minus strand). Cytogenetic location: 10p13.
Variant type: Deletion.
Coding change: c.1902_1903del on transcript NM_001033855.3 (MANE Select); coding-DNA positions 1902 to 1903, 2 bases deleted (AA; older notation c.1902_1903delAA).
Protein change: p.Ser635fs; shifts the reading frame from serine 635.
Molecular consequence: frameshift variant. On other transcripts: non-coding transcript variant (3), intron variant (3).
Genome position (GRCh38, 1-based): chr10:14,908,584-14,908,585, TT deleted on the plus strand (AA on the coding strand, the reverse complement: DCLRE1C is on the minus strand); deleting any 2 consecutive bases within chr10:14,908,584-14,908,589 gives the same sequence; the c. name uses the placement nearest the transcript's 3' end. VCF-style (leftmost placement, unchanged base first): chr10-14908583-CTT-C. GRCh37 (hg19) VCF-style: chr10-14950582-CTT-C.
Other names: c.1542_1543del, p.Ser515fs (NM_001033857.3, NM_001033858.3, NM_001289077.2 and 1 more transcripts); c.1557_1558del, p.Ser520fs (NM_001289076.2, NM_001289078.2, NM_022487.4); c.1437+120_1437+121del (NM_001350966.2); c.1782+120_1782+121del (NM_001350965.2); c.1422+120_1422+121del (NM_001350967.2); short protein forms S515fs, S520fs, S635fs.
Identifiers: ClinVar variation 468483 (VCV000468483.4), dbSNP rs760288938, ClinGen allele CA5416374.
Genomic context (GRCh38, chr10:14,908,583, plus strand): 5'-GAGGGAACTTCAAAATCAGAAGAGCTCTGGGAATCTGCATTTGTGCTAAGATTTAGCAAA[CTT>C]TTTTCCTCGGGTATATGTGTCTCACTGCTTAGAGTAGTTGGTTCTCCAGTACTAGGAACT-3'

ClinVar aggregate classification (germline): Uncertain significance. Review status: criteria provided, single submitter (1 of 4 stars). 2 submissions from 2 submitters: Uncertain significance (1). 1 of the submissions does not count toward it. Last evaluated 2024-10-07.

Conditions:
Athabaskan severe combined immunodeficiency (SCIDA). Also called: Severe combined immunodeficiency, athabascan-type. Identifiers: MedGen C1865370.
Severe combined immunodeficiency due to DCLRE1C deficiency (RS-SCID). Also called: SCID, AUTOSOMAL RECESSIVE, T CELL-NEGATIVE, B CELL-NEGATIVE, NK CELL-POSITIVE, WITH SENSITIVITY TO IONIZING RADIATION. Identifiers: Orphanet 275, MedGen C1865371, MONDO:0011225, OMIM 602450.

Submissions (2):

Labcorp Genetics (formerly Invitae), Labcorp
Classification: Uncertain significance for Athabaskan severe combined immunodeficiency. Last evaluated: 2024-10-07. Review status: criteria provided, single submitter. Criteria: Invitae Variant Classification Sherloc (09022015). Collection method: clinical testing. Allele origin: germline.
Comment: This sequence change creates a premature translational stop signal (p.Ser635Phefs*5) in the DCLRE1C gene. While this is not anticipated to result in nonsense mediated decay, it is expected to disrupt the last 58 amino acid(s) of the DCLRE1C protein. This variant is present in population databases (rs760288938, gnomAD 0.002%). This variant has not been reported in the literature in individuals affected with DCLRE1C-related conditions. ClinVar contains an entry for this variant (Variation ID: 468483). In summary, the available evidence is currently insufficient to determine the role of this variant in disease. Therefore, it has been classified as a Variant of Uncertain Significance.

Natera, Inc.
Classification: Uncertain significance for Athabascan severe combined immunodeficiency. Last evaluated: 2021-03-11. Review status: no assertion criteria provided. Collection method: clinical testing. Allele origin: germline. Not counted in ClinVar's aggregate classification.